The following is an entry in ClinVar:

NM_005529.7(HSPG2):c.1033G>A (p.Asp345Asn)

Gene: HSPG2 (heparan sulfate proteoglycan 2; minus strand). Cytogenetic location: 1p36.12.
Variant type: single nucleotide variant.
Coding change: c.1033G>A on transcript NM_005529.7 (MANE Select); coding-DNA position 1033, G replaced by A.
Protein change: p.Asp345Asn; replaces aspartic acid 345 with asparagine.
Molecular consequence: missense variant.
Genome position (GRCh38, 1-based): chr1:21,887,260, C>T on the plus strand (G>A on the coding strand, the complement: HSPG2 is on the minus strand). VCF-style: chr1-21887260-C-T. GRCh37 (hg19) VCF-style: chr1-22213753-C-T.
Other names: c.1033G>A, p.Asp345Asn (NM_001291860.2); short protein forms D345N.
Identifiers: ClinVar variation 876864 (VCV000876864.7), dbSNP rs755218466, ClinGen allele CA673606.
Genomic context (GRCh38, chr1:21,887,260, plus strand): 5'-CCCTCGGATACTCACGGCAGTTGGCTTCATCAGTTCGGTCCTCACAGTCAAAGTCACCAT[C>T]GCAGCGCCACAGCTTGAGGGCACAATGTCCATTCCCGCAGGGGAACTCGTTGGGCTCACA-3'
Protein context (NP_005520.4, residues 335-355): GHCALKLWRC[Asp345Asn]GDFDCEDRTD

ClinVar aggregate classification (germline): Uncertain significance. Review status: criteria provided, multiple submitters, no conflicts (2 of 4 stars). 3 submissions from 2 submitters: Uncertain significance (3). Last evaluated 2022-03-14.

Conditions:
Lethal Kniest-like syndrome (DDSH). Also called: Dyssegmental Dysplasia. Identifiers: Orphanet 1865, MedGen C1857100, MONDO:0009140, OMIM 224410.
Schwartz-Jampel syndrome. Also called: Myotonic myopathy dwarfism chondrodystrophy and ocular and facial abnormalities. Identifiers: Orphanet 800, MedGen C0036391, MONDO:0009717.

Allele frequency attached by ClinVar (database versions not stated): gnomAD exomes below 0.00001; gnomAD 0.00001; TOPMed 0.00001; ExAC 0.00002.
gnomAD v4.1: 9 of 1,613,988 alleles (0.00056%); highest among the groups gnomAD compares: East Asian, 0.0045%; no homozygotes.

Submissions (3):

Labcorp Genetics (formerly Invitae), Labcorp
Classification: Uncertain significance. Last evaluated: 2022-03-14. Review status: criteria provided, single submitter. Criteria: Invitae Variant Classification Sherloc (09022015). Collection method: clinical testing. Allele origin: germline.
Comment: In summary, the available evidence is currently insufficient to determine the role of this variant in disease. Therefore, it has been classified as a Variant of Uncertain Significance. Algorithms developed to predict the effect of missense changes on protein structure and function are either unavailable or do not agree on the potential impact of this missense change (SIFT: "Tolerated"; PolyPhen-2: "Probably Damaging"; Align-GVGD: "Class C0"). ClinVar contains an entry for this variant (Variation ID: 876864). This variant has not been reported in the literature in individuals affected with HSPG2-related conditions. This variant is present in population databases (rs755218466, gnomAD 0.006%). This sequence change replaces aspartic acid, which is acidic and polar, with asparagine, which is neutral and polar, at codon 345 of the HSPG2 protein (p.Asp345Asn).

Illumina Laboratory Services, Illumina
Classification: Uncertain significance for Schwartz-Jampel syndrome type 1. Last evaluated: 2018-01-15. Review status: criteria provided, single submitter. Criteria: ICSL Variant Classification Criteria 13 December 2019. Collection method: clinical testing. Allele origin: germline.

Illumina Laboratory Services, Illumina
Classification: Uncertain significance for Lethal Kniest-like syndrome. Last evaluated: 2018-01-15. Review status: criteria provided, single submitter. Criteria: ICSL Variant Classification Criteria 13 December 2019. Collection method: clinical testing. Allele origin: germline.